The following is an entry in ClinVar:

ClinVar aggregate classification (germline): Benign/Likely benign. Review status: criteria provided, multiple submitters, no conflicts (2 of 4 stars). 12 submissions from 12 submitters: Benign (10); Likely benign (1). 1 of the submissions does not count toward it. Last evaluated 2026-02-04.

Conditions:
Sarcoglycanopathy. Identifiers: Orphanet 207052, MedGen C2936331, MONDO:0016140.
Autosomal recessive limb-girdle muscular dystrophy type 2C (LGMDR5). Also called: MUSCULAR DYSTROPHY, LIMB-GIRDLE, AUTOSOMAL RECESSIVE 5; MUSCULAR DYSTROPHY, DUCHENNE-LIKE. Identifiers: Orphanet 353, MedGen C0410173, MONDO:0009677, OMIM 253700. Disease mechanism: Affects gamma-sarcoglycan and also disrupts the integrity of the entire sarcoglycan complex..

Allele frequency attached by ClinVar (database versions not stated): gnomAD exomes 0.10461 and 0.11814; ExAC 0.10907; 1000 Genomes Project 0.12740; 1000 Genomes Project 30x 0.13007; gnomAD 0.14704 and 0.15152; TOPMed 0.15369; ESP Exome Variant Server 0.15870.
gnomAD v4.1: 194,711 of 1,610,324 alleles (12%); highest among the groups gnomAD compares: African/African-American, 25%; 13,336 homozygotes.

Submissions (12):

Labcorp Genetics (formerly Invitae), Labcorp
Classification: Benign for Autosomal recessive limb-girdle muscular dystrophy type 2C. Last evaluated: 2026-02-04. Review status: criteria provided, single submitter. Criteria: Invitae Variant Classification Sherloc (09022015). Collection method: clinical testing. Allele origin: germline.

Pars Genome Lab
Classification: Benign for Autosomal recessive limb-girdle muscular dystrophy type 2C. Last evaluated: 2021-07-01. Review status: criteria provided, single submitter. Criteria: ACMG Guidelines, 2015. Collection method: clinical testing. Allele origin: germline. Affected: no.

Illumina Laboratory Services, Illumina
Classification: Benign for Sarcoglycanopathy. Last evaluated: 2018-01-12. Review status: criteria provided, single submitter. Criteria: ICSL Variant Classification Criteria 13 December 2019. Collection method: clinical testing. Allele origin: germline.
Comment: This variant was observed in the ICSL laboratory as part of a predisposition screen in an ostensibly healthy population. It had not been previously curated by ICSL or reported in the Human Gene Mutation Database (HGMD: prior to June 1st, 2018), and was therefore a candidate for classification through an automated scoring system. Utilizing variant allele frequency, disease prevalence and penetrance estimates, and inheritance mode, an automated score was calculated to assess if this variant is too frequent to cause the disease. Based on the score and internal cut-off values, a variant classified as benign is not then subjected to further curation. The score for this variant resulted in a classification of benign for this disease.

Mayo Clinic Laboratories, Mayo Clinic
Classification: Benign. Last evaluated: 2017-07-25. Review status: criteria provided, single submitter. Criteria: ACMG Guidelines, 2015. Collection method: clinical testing. Allele origin: germline. Observed: 182 variant alleles.

Athena Diagnostics
Classification: Benign. Last evaluated: 2017-04-14. Review status: criteria provided, single submitter. Criteria: Athena Diagnostics Criteria. Collection method: clinical testing. Allele origin: germline.

GeneDx
Classification: Benign. Last evaluated: 2016-02-02. Review status: criteria provided, single submitter. Criteria: GeneDx Variant Classification (06012015). Collection method: clinical testing. Allele origin: germline. Affected: yes.
Comment: This variant is considered likely benign or benign based on one or more of the following criteria: it is a conservative change, it occurs at a poorly conserved position in the protein, it is predicted to be benign by multiple in silico algorithms, and/or has population frequency not consistent with disease.

Laboratory for Molecular Medicine, Mass General Brigham Personalized Medicine
Classification: Benign. Last evaluated: 2014-11-26. Review status: criteria provided, single submitter. Criteria: LMM Criteria. Collection method: clinical testing. Allele origin: germline. Observed: 7 variant alleles.
Comment: p.Asp76Asp in exon 3 of SGCG: This variant is not expected to have clinical sign ificance because it has been identified in 24% (1040/4406) of African American c hromosomes by the NHLBI Exome Sequencing Project (VS/; dbSNP rs1800350).

Genetic Services Laboratory, University of Chicago
Classification: Benign for AllHighlyPenetrant. Last evaluated: 2013-08-15. Review status: criteria provided, single submitter. Criteria: ACMG Guidelines, 2007. Collection method: clinical testing. Allele origin: germline. Inheritance: Autosomal recessive inheritance.

Eurofins Ntd Llc (ga)
Classification: Benign. Last evaluated: 2012-08-16. Review status: criteria provided, single submitter. Criteria: EGL Classification Definitions 2015. Collection method: clinical testing. Allele origin: germline. Observed: 24 variant alleles, 23 heterozygotes, 1 homozygote.

Breakthrough Genomics
Classification: Likely benign. Review status: criteria provided, single submitter. Criteria: ACMG Guidelines, 2015. Collection method: not provided. Allele origin: germline. Inheritance: Autosomal recessive inheritance. Affected: yes.

PreventionGenetics, part of Exact Sciences
Classification: Benign. Review status: criteria provided, single submitter. Criteria: ACMG Guidelines, 2015. Collection method: clinical testing. Allele origin: germline.

Natera, Inc.
Classification: Benign for Limb-girdle muscular dystrophy type 2C. Last evaluated: 2020-09-16. Review status: no assertion criteria provided. Collection method: clinical testing. Allele origin: germline. Not counted in ClinVar's aggregate classification.

NM_000231.3(SGCG):c.228T>C (p.Asp76=)

Gene: SGCG (sarcoglycan gamma; plus strand). Cytogenetic location: 13q12.12.
Variant type: single nucleotide variant.
Coding change: c.228T>C on transcript NM_000231.3 (MANE Select); coding-DNA position 228, T replaced by C.
Protein change: p.Asp76=; no amino-acid change (aspartic acid 76 retained).
Molecular consequence: synonymous variant.
Genome position (GRCh38, 1-based): chr13:23,234,643, T>C. VCF-style: chr13-23234643-T-C. GRCh37 (hg19) VCF-style: chr13-23808782-T-C.
Other names: p.Asp76=; c.282T>C, p.Asp94= (NM_001378244.1); c.228T>C, p.Asp76= (NM_001378245.1, NM_001378246.1).
Identifiers: ClinVar variation 92653 (VCV000092653.31), dbSNP rs1800350, ClinGen allele CA145897.